The following is an entry in ClinVar:

ClinVar aggregate classification (germline): Likely benign (1 of 4 stars; one submission).

Allele frequency attached by ClinVar (database versions not stated): gnomAD 0.00208; ESP Exome Variant Server 0.00239; TOPMed 0.00262; 1000 Genomes Project 0.00140; 1000 Genomes Project 30x 0.00156.
gnomAD v4.1: 4,750 of 1,610,684 alleles (0.29%); highest among the groups gnomAD compares: Non-Finnish European, 0.37%; 13 homozygotes.

Submission:

CeGaT Center for Human Genetics Tuebingen
Classification: Likely benign. Last evaluated: 2023-03-01. Review status: criteria provided, single submitter. Criteria: CeGaT Center For Human Genetics Tuebingen Variant Classification Criteria Version 2. Collection method: clinical testing. Allele origin: germline. Affected: yes. Observed: 1 variant allele.
Comment: HS3ST6: BP4, BP7, BS2

NM_001009606.4(HS3ST6):c.768G>A (p.Pro256=)

Gene: HS3ST6 (heparan sulfate-glucosamine 3-sulfotransferase 6; minus strand). Cytogenetic location: 16p13.3.
Variant type: single nucleotide variant.
Coding change: c.768G>A on transcript NM_001009606.4 (MANE Select); coding-DNA position 768, G replaced by A.
Protein change: p.Pro256=; no amino-acid change (proline 256 retained).
Molecular consequence: synonymous variant.
Genome position (GRCh38, 1-based): chr16:1,911,851, C>T on the plus strand (G>A on the coding strand, the complement: HS3ST6 is on the minus strand). VCF-style: chr16-1911851-C-T. GRCh37 (hg19) VCF-style: chr16-1961852-C-T.
Identifiers: ClinVar variation 2645950 (VCV002645950.24), dbSNP rs199919782, ClinGen allele CA7822120.
Genomic context (GRCh38, chr16:1,911,851, plus strand): 5'-CTTGTCCGTGACGACCCGTTTCAGGCCCAGGAAGTCCTGCACGCGGCCGACCTCTCCGGC[C>T]GGGTCGCTGACCAGACGCTCCCCGCTGACGAACAGGAAGTGGGACAGGGGGAAGTAGCGC-3'
Protein context (NP_001009606.3, residues 246-266): FVSGERLVSD[Pro256=]AGEVGRVQDF